The following is an entry in ClinVar:

ClinVar aggregate classification (germline): Likely pathogenic. Review status: criteria provided, multiple submitters, no conflicts (2 of 4 stars). 3 submissions from 3 submitters: Likely pathogenic (3). Last evaluated 2025-10-24.

Conditions:
Cardiovascular phenotype. Identifiers: MedGen CN230736.
Dilated cardiomyopathy 1G (CMD1G). Identifiers: Orphanet 154, MedGen C1858763, MONDO:0011400, OMIM 604145.
Autosomal recessive limb-girdle muscular dystrophy type 2J (LGMDR10). Also called: Limb-girdle muscular dystrophy, type 2J; MUSCULAR DYSTROPHY, LIMB-GIRDLE, AUTOSOMAL RECESSIVE 10. Identifiers: Orphanet 140922, MedGen C1837342, MONDO:0012127, OMIM 608807.

Submissions (3):

Ambry Genetics
Classification: Likely pathogenic for Cardiovascular phenotype. Last evaluated: 2025-10-24. Review status: criteria provided, single submitter. Criteria: Ambry Variant Classification Scheme 2023. Collection method: clinical testing. Allele origin: germline.
Comment: The c.72966delG variant, located in coding exon 183 of the TTN gene, results from a deletion of one nucleotide at nucleotide position 72966, causing a translational frameshift with a predicted alternate stop codon (p.S24323Vfs*55). This exon is located in the A-band region of the N2-B isoform of the titin protein and is constitutively expressed in TTN transcripts (percent spliced in or PSI 100%). This variant is considered to be rare based on population cohorts in the Genome Aggregation Database (gnomAD). This variant is expected to result in loss of function by premature protein truncation or nonsense-mediated mRNA decay. While truncating variants in TTN are present in 1-3% of the general population, truncating variants in the A-band are the most common cause of dilated cardiomyopathy (Herman DS et al. N. Engl. J. Med., 2012 Feb;366:619-28; Roberts AM et al. Sci Transl Med, 2015 Jan;7:270ra6). TTN truncating variants encoded in constitutive exons (PSI >90%) have been found to be significantly associated with DCM regardless of their position in titin (Schafer S et al. Nat. Genet., 2017 01;49:46-53; Akhtar MM et al. Circ Heart Fail, 2020 Oct;13:e006832; Massier M et al. Clin Genet, 2025 Jan). Based on the majority of available evidence to date, this variant is likely to be pathogenic.

GeneDx
Classification: Likely pathogenic. Last evaluated: 2025-10-01. Review status: criteria provided, single submitter. Criteria: GeneDx Variant Classification Process June 2021. Collection method: clinical testing. Allele origin: germline.
Comment: Frameshift variant predicted to result in protein truncation or nonsense mediated decay in a gene for which loss of function is a known mechanism of disease; Located in the A-band, a region of TTN for which truncating variants are significantly associated with autosomal dominant cardiomyopathy and also with autosomal recessive skeletal myopathies (PMID: 22335739, 32778822); Not observed at significant frequency in large population cohorts (gnomAD); Has not been previously published as pathogenic or benign to our knowledge; This variant is associated with the following publications: (PMID: 22335739, 32778822)

Labcorp Genetics (formerly Invitae), Labcorp
Classification: Likely pathogenic for Dilated cardiomyopathy 1G; Autosomal recessive limb-girdle muscular dystrophy type 2J. Last evaluated: 2025-02-09. Review status: criteria provided, single submitter. Criteria: Invitae Variant Classification Sherloc (09022015). Collection method: clinical testing. Allele origin: germline.
Comment: This sequence change creates a premature translational stop signal (p.Ser33388Valfs*55) in the TTN gene. While this is not anticipated to result in nonsense mediated decay, it is expected to create a truncated TTN protein. This variant is not present in population databases (gnomAD no frequency). This variant has not been reported in the literature in individuals affected with TTN-related conditions. ClinVar contains an entry for this variant (Variation ID: 2944627). This variant is located in the A band of TTN (PMID: 25589632). Truncating variants in this region are significantly overrepresented in patients affected with dilated cardiomyopathy (PMID: 25589632). Truncating variants in this region have also been reported in individuals affected with autosomal recessive centronuclear myopathy (PMID: 23975875). In summary, the currently available evidence indicates that the variant is pathogenic, but additional data are needed to prove that conclusively. Therefore, this variant has been classified as Likely Pathogenic.

Literature cited by the submitters: PubMed 25589632 (cited by Labcorp Genetics (formerly Invitae), Labcorp); PubMed 23975875 (cited by Labcorp Genetics (formerly Invitae), Labcorp).

NM_001267550.2(TTN):c.100161del (p.Ser33388fs)

Genes: TTN (titin; minus strand), TTN-AS1 (TTN antisense RNA 1; plus strand), LOC126806420 (BRD4-independent group 4 enhancer GRCh37_chr2:179401104-179402303; plus strand). Cytogenetic location: 2q31.2.
Variant type: Deletion.
Coding change: c.100161del on transcript NM_001267550.2 (MANE Select); coding-DNA position 100161, one base deleted (G; older notation c.100161delG).
Protein change: p.Ser33388fs; shifts the reading frame from serine 33388.
Molecular consequence: frameshift variant.
Genome position (GRCh38, 1-based): chr2:178,536,948, C deleted on the plus strand (G on the coding strand, the reverse complement: TTN is on the minus strand). VCF-style (leftmost placement, unchanged base first): chr2-178536947-TC-T. GRCh37 (hg19) VCF-style: chr2-179401674-TC-T.
Other names: c.100161del (NM_001267550.1); c.95238del, p.Ser31747fs (NM_001256850.1); c.100161delG, p.Ser33388Valfs (NM_001267550.1); c.72966del, p.Ser24323fs (NM_003319.4); c.92457del, p.Ser30820fs (NM_133378.4); c.73341del, p.Ser24448fs (NM_133432.3); c.73542del, p.Ser24515fs (NM_133437.4); c.72966delG (NM_003319.4); short protein forms S24515fs, S30820fs, S31747fs, S33388fs, S24323fs, S24448fs.
Identifiers: ClinVar variation 2944627 (VCV002944627.6), dbSNP rs2468648655, ClinGen allele CA2740096321.